The following is an entry in ClinVar:

NM_000937.5(POLR2A):c.1204C>G (p.Leu402Val)

Gene: POLR2A (RNA polymerase II subunit A; plus strand). Cytogenetic location: 17p13.1.
Variant type: single nucleotide variant.
Coding change: c.1204C>G on transcript NM_000937.5 (MANE Select); coding-DNA position 1204, C replaced by G.
Protein change: p.Leu402Val; replaces leucine 402 with valine.
Molecular consequence: missense variant.
Genome position (GRCh38, 1-based): chr17:7,498,079, C>G. VCF-style: chr17-7498079-C-G. GRCh37 (hg19) VCF-style: chr17-7401398-C-G.
Other names: short protein forms L402V.
Identifiers: ClinVar variation 4977836 (VCV004977836.1).

ClinVar aggregate classification (germline): Uncertain significance (1 of 4 stars; one submission).

Conditions:
POLR2A-related disorder. Also called: POLR2A-related condition.

Submission:

PreventionGenetics, part of Exact Sciences
Classification: Uncertain significance for POLR2A-related condition. Last evaluated: 2025-07-23. Review status: criteria provided, single submitter. Criteria: ACMG Guidelines, 2015. Collection method: clinical testing. Allele origin: germline.
Comment: The POLR2A c.1204C>G variant is predicted to result in the amino acid substitution p.Leu402Val. To our knowledge, this variant has not been reported in the literature or in a large population database (gnomAD), indicating this variant is rare. At this time, the clinical significance of this variant is uncertain due to the absence of conclusive functional and genetic evidence.